The following is an entry in ClinVar:

ClinVar aggregate classification (germline): Uncertain significance. Review status: criteria provided, multiple submitters, no conflicts (2 of 4 stars). 3 submissions from 3 submitters: Uncertain significance (3). Last evaluated 2022-01-26.

Conditions:
Congenital hyperammonemia, type I. Also called: CPS I DEFICIENCY; Carbamoyl phosphate synthetase 1 deficiency; Hyperammonemia due to carbamoyl phosphate synthetase 1 deficiency; CPS 1 deficiency; Carbamyl phosphate synthetase (CPS) deficiency; Carbamoyl phosphate synthetase I deficiency disease. Identifiers: Orphanet 147, MedGen C4082171, MONDO:0009376, OMIM 237300.

Allele frequency attached by ClinVar (database versions not stated): ExAC 0.00003; gnomAD exomes 0.00004 and 0.00015; TOPMed 0.00006; gnomAD 0.00007 and 0.00009; ESP Exome Variant Server 0.00015.
gnomAD v4.1: 226 of 1,613,522 alleles (0.014%); highest among the groups gnomAD compares: Non-Finnish European, 0.018%; 1 homozygote.

Submissions (3):

Labcorp Genetics (formerly Invitae), Labcorp
Classification: Uncertain significance for Congenital hyperammonemia, type I. Last evaluated: 2022-01-26. Review status: criteria provided, single submitter. Criteria: Invitae Variant Classification Sherloc (09022015). Collection method: clinical testing. Allele origin: germline.
Comment: This sequence change replaces proline, which is neutral and non-polar, with threonine, which is neutral and polar, at codon 99 of the CPS1 protein (p.Pro99Thr). This variant is present in population databases (rs140999077, gnomAD 0.009%). This variant has not been reported in the literature in individuals affected with CPS1-related conditions. ClinVar contains an entry for this variant (Variation ID: 334012). Algorithms developed to predict the effect of missense changes on protein structure and function (SIFT, PolyPhen-2, Align-GVGD) all suggest that this variant is likely to be disruptive. In summary, the available evidence is currently insufficient to determine the role of this variant in disease. Therefore, it has been classified as a Variant of Uncertain Significance.

Eurofins Ntd Llc (ga)
Classification: Uncertain significance. Last evaluated: 2018-04-09. Review status: criteria provided, single submitter. Criteria: EGL ClinVar v180209 classification definitions. Collection method: clinical testing. Allele origin: germline. Observed: 1 variant allele, 1 heterozygote.

Illumina Laboratory Services, Illumina
Classification: Uncertain significance for Congenital hyperammonemia, type I. Last evaluated: 2018-01-13. Review status: criteria provided, single submitter. Criteria: ICSL Variant Classification Criteria 13 December 2019. Collection method: clinical testing. Allele origin: germline.

NM_001875.5(CPS1):c.295C>A (p.Pro99Thr)

Gene: CPS1 (carbamoyl-phosphate synthase 1; plus strand). Cytogenetic location: 2q34.
Variant type: single nucleotide variant.
Coding change: c.295C>A on transcript NM_001875.5 (MANE Select); coding-DNA position 295, C replaced by A.
Protein change: p.Pro99Thr; replaces proline 99 with threonine.
Molecular consequence: missense variant. On other transcripts: non-coding transcript variant (1).
Genome position (GRCh38, 1-based): chr2:210,576,404, C>A. VCF-style: chr2-210576404-C-A. GRCh37 (hg19) VCF-style: chr2-211441128-C-A.
Other names: c.295C>A (LRG_336t1); c.295C>A, p.Pro99Thr (NM_001122633.3, NM_001369257.1); c.328C>A, p.Pro110Thr (NM_001369256.1); short protein forms P99T, P110T.
Identifiers: ClinVar variation 334012 (VCV000334012.10), dbSNP rs140999077, ClinGen allele CA2085985.